The following is an entry in ClinVar:

ClinVar aggregate classification (germline): Uncertain significance. Review status: criteria provided, multiple submitters, no conflicts (2 of 4 stars). 2 submissions from 2 submitters: Uncertain significance (2). Last evaluated 2023-05-10.

Conditions:
ATM-related disorder. Also called: ATM-related disorders; ATM-related condition.
Ataxia-telangiectasia syndrome (AT). Also called: LOUIS-BAR SYNDROME; Cerebello-oculocutaneous telangiectasia; Immunodeficiency with ataxia telangiectasia; ATAXIA-TELANGIECTASIA, COMPLEMENTATION GROUP A; ATAXIA-TELANGIECTASIA, FRESNO VARIANT; Ataxia-telangiectasia, complementation group D. Identifiers: Orphanet 100, MedGen C0004135, MONDO:0008840, OMIM 208900.

Allele frequency attached by ClinVar (database versions not stated): TOPMed below 0.00001; gnomAD 0.00001.
gnomAD v4.1: 1 of 1,613,758 alleles (0.000062%); highest among the groups gnomAD compares: East Asian, 0.0022%; no homozygotes.

Submissions (2):

PreventionGenetics, part of Exact Sciences
Classification: Uncertain significance for ATM-related condition. Last evaluated: 2023-05-10. Review status: criteria provided, single submitter. Criteria: ACMG Guidelines, 2015. Collection method: clinical testing. Allele origin: germline.
Comment: The ATM c.738C>G variant is predicted to result in the amino acid substitution p.Asn246Lys. To our knowledge, this variant has not been reported in the literature or in a large population database, indicating this variant is rare. This variant has been interpreted as uncertain in ClinVar. At this time, the clinical significance of this variant is uncertain due to the absence of conclusive functional and genetic evidence.

Labcorp Genetics (formerly Invitae), Labcorp
Classification: Uncertain significance for Ataxia-telangiectasia syndrome. Last evaluated: 2021-11-29. Review status: criteria provided, single submitter. Criteria: Invitae Variant Classification Sherloc (09022015). Collection method: clinical testing. Allele origin: germline.
Comment: This sequence change replaces asparagine, which is neutral and polar, with lysine, which is basic and polar, at codon 246 of the ATM protein (p.Asn246Lys). This variant is not present in population databases (gnomAD no frequency). This variant has not been reported in the literature in individuals affected with ATM-related conditions. Advanced modeling of protein sequence and biophysical properties (such as structural, functional, and spatial information, amino acid conservation, physicochemical variation, residue mobility, and thermodynamic stability) performed at Invitae indicates that this missense variant is not expected to disrupt ATM protein function. In summary, the available evidence is currently insufficient to determine the role of this variant in disease. Therefore, it has been classified as a Variant of Uncertain Significance.

NM_000051.4(ATM):c.738C>G (p.Asn246Lys)

Gene: ATM (ATM serine/threonine kinase; plus strand). Cytogenetic location: 11q22.3.
Variant type: single nucleotide variant.
Coding change: c.738C>G on transcript NM_000051.4 (MANE Select); coding-DNA position 738, C replaced by G.
Protein change: p.Asn246Lys; replaces asparagine 246 with lysine.
Molecular consequence: missense variant.
Genome position (GRCh38, 1-based): chr11:108,244,863, C>G. VCF-style: chr11-108244863-C-G. GRCh37 (hg19) VCF-style: chr11-108115590-C-G.
Other names: c.738C>G (NM_000051.3); c.738C>G, p.Asn246Lys (NM_001351834.2); short protein forms N246K.
Identifiers: ClinVar variation 1417088 (VCV001417088.6), dbSNP rs1335108218, ClinGen allele CA382529249.